The following is an entry in ClinVar:

ClinVar aggregate classification (germline): Uncertain significance. Review status: criteria provided, multiple submitters, no conflicts (2 of 4 stars). 4 submissions from 4 submitters: Uncertain significance (4). Last evaluated 2026-01-10.

Conditions:
Inborn genetic diseases. Identifiers: MedGen C0950123, MeSH D030342.

Allele frequency attached by ClinVar (database versions not stated): gnomAD exomes 0.00007 and 0.00018; ExAC 0.00021; 1000 Genomes Project 0.00040; 1000 Genomes Project 30x 0.00047; gnomAD 0.00058 and 0.00059; ESP Exome Variant Server 0.00069; TOPMed 0.00070.
gnomAD v4.1: 197 of 1,613,844 alleles (0.012%); highest among the groups gnomAD compares: African/African-American, 0.17%; no homozygotes.

Submissions (4):

GeneDx
Classification: Uncertain significance. Last evaluated: 2026-01-10. Review status: criteria provided, single submitter. Criteria: GeneDx Variant Classification Process June 2021. Collection method: clinical testing. Allele origin: germline.
Comment: In silico analysis supports that this missense variant has a deleterious effect on protein structure/function; Has not been previously published as pathogenic or benign to our knowledge

Ambry Genetics
Classification: Uncertain significance for Inborn genetic diseases. Last evaluated: 2022-10-26. Review status: criteria provided, single submitter. Criteria: Ambry Variant Classification Scheme 2023. Collection method: clinical testing. Allele origin: germline.

Labcorp Genetics (formerly Invitae), Labcorp
Classification: Uncertain significance. Last evaluated: 2022-08-22. Review status: criteria provided, single submitter. Criteria: Invitae Variant Classification Sherloc (09022015). Collection method: clinical testing. Allele origin: germline.
Comment: This sequence change replaces glutamine, which is neutral and polar, with histidine, which is basic and polar, at codon 1580 of the DNAH9 protein (p.Gln1580His). This variant is present in population databases (rs141388035, gnomAD 0.2%). This variant has not been reported in the literature in individuals affected with DNAH9-related conditions. ClinVar contains an entry for this variant (Variation ID: 1442622). Algorithms developed to predict the effect of missense changes on protein structure and function are either unavailable or do not agree on the potential impact of this missense change (SIFT: "Deleterious"; PolyPhen-2: "Benign"; Align-GVGD: "Class C0"). In summary, the available evidence is currently insufficient to determine the role of this variant in disease. Therefore, it has been classified as a Variant of Uncertain Significance.

Blueprint Genetics
Classification: Uncertain significance. Last evaluated: 2022-06-15. Review status: criteria provided, single submitter. Criteria: ACMG Guidelines, 2015. Collection method: clinical testing. Allele origin: germline.

NM_001372.4(DNAH9):c.4740G>C (p.Gln1580His)

Gene: DNAH9 (dynein axonemal heavy chain 9; plus strand). Cytogenetic location: 17p12.
Variant type: single nucleotide variant.
Coding change: c.4740G>C on transcript NM_001372.4 (MANE Select); coding-DNA position 4740, G replaced by C.
Protein change: p.Gln1580His; replaces glutamine 1580 with histidine.
Molecular consequence: missense variant.
Genome position (GRCh38, 1-based): chr17:11,693,993, G>C. VCF-style: chr17-11693993-G-C. GRCh37 (hg19) VCF-style: chr17-11597310-G-C.
Other names: c.4740G>C (NM_001372.3); short protein forms Q1580H.
Identifiers: ClinVar variation 1442622 (VCV001442622.9), dbSNP rs141388035, ClinGen allele CA8395751.